The following is an entry in ClinVar:

NM_001377.3(DYNC2H1):c.4843del (p.Gln1615fs)

Gene: DYNC2H1 (dynein cytoplasmic 2 heavy chain 1; plus strand). Cytogenetic location: 11q22.3.
Variant type: Deletion.
Coding change: c.4843del on transcript NM_001377.3 (MANE Select); coding-DNA position 4843, one base deleted (C; older notation c.4843delC).
Protein change: p.Gln1615fs; shifts the reading frame from glutamine 1615.
Molecular consequence: frameshift variant.
Genome position (GRCh38, 1-based): chr11:103,168,835, C deleted; the last of 2 consecutive C bases (chr11:103,168,834-103,168,835); deleting either gives the same sequence. VCF-style (leftmost placement, unchanged base first): chr11-103168833-AC-A. GRCh37 (hg19) VCF-style: chr11-103039562-AC-A.
Other names: c.4843del, p.Gln1615fs (NM_001080463.2); short protein forms Q1615fs.
Identifiers: ClinVar variation 3722864 (VCV003722864.2).
Genomic context (GRCh38, chr11:103,168,833, plus strand): 5'-TTAAACTTAAAGCCCTAATTCTTGACATTATCCATAATATTGATGTGGTAAAGCAGTTAA[AC>A]CAAATTCAGGTTCATACAACTGAAGACTGGGCTTGGAAAAAACAACTTAGATTCTATATG-3'

ClinVar aggregate classification (germline): Pathogenic (1 of 4 stars; one submission).

Conditions:
Jeune thoracic dystrophy. Also called: Jeune syndrome; Infantile thoracic dystrophy; Thoracic pelvic phalangeal dystrophy; Jeune's syndrome; Chondroectodermal dysplasia-like syndrome; Short-rib thoracic dysplasia. Identifiers: Orphanet 474, MedGen C0265275, MONDO:0018770.

Submission:

Labcorp Genetics (formerly Invitae), Labcorp
Classification: Pathogenic for Jeune thoracic dystrophy. Last evaluated: 2024-10-13. Review status: criteria provided, single submitter. Criteria: Invitae Variant Classification Sherloc (09022015). Collection method: clinical testing. Allele origin: germline.
Comment: This sequence change creates a premature translational stop signal (p.Gln1615Lysfs*20) in the DYNC2H1 gene. It is expected to result in an absent or disrupted protein product. Loss-of-function variants in DYNC2H1 are known to be pathogenic (PMID: 23339108, 32753734, 33755199). This variant is not present in population databases (gnomAD no frequency). This variant has not been reported in the literature in individuals affected with DYNC2H1-related conditions. Algorithms developed to predict the effect of sequence changes on RNA splicing suggest that this variant may disrupt the consensus splice site. For these reasons, this variant has been classified as Pathogenic.

Literature cited by the submitters: PubMed 23339108; PubMed 32753734; PubMed 33755199.